The following is an entry in ClinVar:

ClinVar aggregate classification (germline): Conflicting classifications of pathogenicity. Review status: criteria provided, conflicting classifications (1 of 4 stars). 5 submissions from 5 submitters: Likely pathogenic (2); Uncertain significance (2). 1 of the submissions does not count toward it. Last evaluated 2025-10-13.

Conditions:
Cardiovascular phenotype. Identifiers: MedGen CN230736.
Cardiomyopathy (CMYO). Also called: Cardiomyopathies. Identifiers: Orphanet 167848, MedGen C0878544, MONDO:0004994, HP:0001638. Inheritance: Various modes of inheritance.
Hypertrophic cardiomyopathy. Also called: HYPERTROPHIC MYOCARDIOPATHY. Identifiers: Orphanet 217569, MedGen C0007194, MeSH D002312, MONDO:0005045, HP:0001639.

Submissions (5):

Labcorp Genetics (formerly Invitae), Labcorp
Classification: Likely pathogenic for Hypertrophic cardiomyopathy. Last evaluated: 2025-10-13. Review status: criteria provided, single submitter. Criteria: Invitae Variant Classification Sherloc (09022015). Collection method: clinical testing. Allele origin: germline.
Comment: This sequence change replaces tyrosine, which is neutral and polar, with cysteine, which is neutral and slightly polar, at codon 624 of the MYH7 protein (p.Tyr624Cys). This variant is not present in population databases (gnomAD no frequency). This missense change has been observed in individuals with hypertrophic cardiomyopathy (PMID: 25524337, 27247418, 27532257; internal data). ClinVar contains an entry for this variant (Variation ID: 177703). Invitae Evidence Modeling of protein sequence and biophysical properties (such as structural, functional, and spatial information, amino acid conservation, physicochemical variation, residue mobility, and thermodynamic stability) indicates that this missense variant is expected to disrupt MYH7 protein function with a positive predictive value of 95%. In summary, the currently available evidence indicates that the variant is pathogenic, but additional data are needed to prove that conclusively. Therefore, this variant has been classified as Likely Pathogenic.

Molecular Diagnostic Laboratory for Inherited Cardiovascular Disease, Montreal Heart Institute
Classification: Likely pathogenic for Cardiovascular phenotype. Last evaluated: 2024-04-24. Review status: criteria provided, single submitter. Criteria: ACMG Guidelines, 2015. Collection method: clinical testing. Allele origin: germline. Affected: yes.
Comment: PM1, PM2, PS4_supp, PM5_supp, PP3

Ambry Genetics
Classification: Uncertain significance for Cardiovascular phenotype. Last evaluated: 2024-03-01. Review status: criteria provided, single submitter. Criteria: Ambry Variant Classification Scheme 2023. Collection method: clinical testing. Allele origin: germline.
Comment: The p.Y624C variant (also known as c.1871A>G), located in coding exon 14 of the MYH7 gene, results from an A to G substitution at nucleotide position 1871. The tyrosine at codon 624 is replaced by cysteine, an amino acid with highly dissimilar properties. This alteration has been reported in association with hypertrophic cardiomyopathy (HCM) (Homburger JR et al. Proc Natl Acad Sci U S A, 2016 Jun;113:6701-6; Coppini R et al. J Am Coll Cardiol, 2014 Dec;64:2589-2600). This alteration is located in the myosin head domain, which contains a statistically significant clustering of pathogenic missense variants (Homburger JR et al. Proc Natl Acad Sci U S A, 2016 06;113:6701-6; Walsh R et al. Genet Med, 2017 02;19:192-203; Ambry internal data). This amino acid position is highly conserved in available vertebrate species. In addition, the in silico prediction for this alteration is inconclusive. Based on the available evidence, the clinical significance of this alteration remains unclear.

CHEO Genetics Diagnostic Laboratory, Children's Hospital of Eastern Ontario
Classification: Uncertain significance for Cardiomyopathy. Last evaluated: 2022-06-01. Review status: criteria provided, single submitter. Criteria: ACMG Guidelines, 2015. Collection method: clinical testing. Allele origin: germline.

Laboratory for Molecular Medicine, Mass General Brigham Personalized Medicine
Classification: Uncertain significance. Last evaluated: 2013-12-11. Review status: no assertion criteria provided. Collection method: clinical testing. Allele origin: germline. Observed: 2 variant alleles. Not counted in ClinVar's aggregate classification.
Comment: proposed classification - variant undergoing re-assessment, contact laboratory

Literature cited by the submitters: PubMed 25524337 (cited by Labcorp Genetics (formerly Invitae), Labcorp and Ambry Genetics); PubMed 27247418 (cited by Labcorp Genetics (formerly Invitae), Labcorp and Ambry Genetics); PubMed 27532257 (cited by Labcorp Genetics (formerly Invitae), Labcorp); PubMed 9476679 (cited by Laboratory for Molecular Medicine, Mass General Brigham Personalized Medicine).

NM_000257.4(MYH7):c.1871A>G (p.Tyr624Cys)

Gene: MYH7 (myosin heavy chain 7; minus strand). Cytogenetic location: 14q11.2.
Variant type: single nucleotide variant.
Coding change: c.1871A>G on transcript NM_000257.4 (MANE Select); coding-DNA position 1871, A replaced by G.
Protein change: p.Tyr624Cys; replaces tyrosine 624 with cysteine.
Molecular consequence: missense variant.
Genome position (GRCh38, 1-based): chr14:23,427,602, T>C on the plus strand (A>G on the coding strand, the complement: MYH7 is on the minus strand). VCF-style: chr14-23427602-T-C. GRCh37 (hg19) VCF-style: chr14-23896811-T-C.
Other names: short protein forms Y624C.
Identifiers: ClinVar variation 177703 (VCV000177703.19), dbSNP rs727504291, ClinGen allele CA011365.